The following is an entry in ClinVar:

NM_004700.4(KCNQ4):c.1468C>T (p.Arg490Cys)

Gene: KCNQ4 (potassium voltage-gated channel subfamily Q member 4; plus strand). Cytogenetic location: 1p34.2.
Variant type: single nucleotide variant.
Coding change: c.1468C>T on transcript NM_004700.4 (MANE Select); coding-DNA position 1468, C replaced by T.
Protein change: p.Arg490Cys; replaces arginine 490 with cysteine.
Molecular consequence: missense variant.
Genome position (GRCh38, 1-based): chr1:40,831,259, C>T. VCF-style: chr1-40831259-C-T. GRCh37 (hg19) VCF-style: chr1-41296931-C-T.
Other names: c.1306C>T, p.Arg436Cys (NM_172163.3); short protein forms R436C, R490C.
Identifiers: ClinVar variation 2237212 (VCV002237212.3), dbSNP rs746170447, ClinGen allele CA794888.

ClinVar aggregate classification (germline): Uncertain significance. Review status: criteria provided, multiple submitters, no conflicts (2 of 4 stars). 2 submissions from 2 submitters: Uncertain significance (2). Last evaluated 2025-07-27.

Conditions:
Inborn genetic diseases. Identifiers: MedGen C0950123, MeSH D030342.

Allele frequency attached by ClinVar (database versions not stated): gnomAD exomes 0.00003; TOPMed 0.00004; ExAC 0.00006; gnomAD 0.00008.
gnomAD v4.1: 49 of 1,607,266 alleles (0.003%); highest among the groups gnomAD compares: Middle Eastern, 0.016%; 1 homozygote.

Submissions (2):

Labcorp Genetics (formerly Invitae), Labcorp
Classification: Uncertain significance. Last evaluated: 2025-07-27. Review status: criteria provided, single submitter. Criteria: Invitae Variant Classification Sherloc (09022015). Collection method: clinical testing. Allele origin: germline.
Comment: This sequence change replaces arginine, which is basic and polar, with cysteine, which is neutral and slightly polar, at codon 490 of the KCNQ4 protein (p.Arg490Cys). This variant is present in population databases (rs746170447, gnomAD 0.01%). This variant has not been reported in the literature in individuals affected with KCNQ4-related conditions. ClinVar contains an entry for this variant (Variation ID: 2237212). Invitae Evidence Modeling of protein sequence and biophysical properties (such as structural, functional, and spatial information, amino acid conservation, physicochemical variation, residue mobility, and thermodynamic stability) has been performed for this missense variant. However, the output from this modeling did not meet the statistical confidence thresholds required to predict the impact of this variant on KCNQ4 protein function. In summary, the available evidence is currently insufficient to determine the role of this variant in disease. Therefore, it has been classified as a Variant of Uncertain Significance.

Ambry Genetics
Classification: Uncertain significance for Inborn genetic diseases. Last evaluated: 2021-07-14. Review status: criteria provided, single submitter. Criteria: Ambry Variant Classification Scheme 2023. Collection method: clinical testing. Allele origin: germline.